The following is an entry in ClinVar:

ClinVar aggregate classification (germline): Uncertain significance (0 of 4 stars; one submission).

Conditions:
DLL1-related disorder. Also called: DLL1-related condition.

Submission:

PreventionGenetics, part of Exact Sciences
Classification: Uncertain significance for DLL1-related condition. Last evaluated: 2024-02-15. Review status: no assertion criteria provided. Collection method: clinical testing. Allele origin: germline.
Comment: The DLL1 c.2006G>C variant is predicted to result in the amino acid substitution p.Gly669Ala. To our knowledge, this variant has not been reported in the literature or in a large population database, indicating this variant is rare. At this time, the clinical significance of this variant is uncertain due to the absence of conclusive functional and genetic evidence.

NM_005618.4(DLL1):c.2006G>C (p.Gly669Ala)

Genes: DLL1 (delta like canonical Notch ligand 1; minus strand), LOC126859913 (P300/CBP strongly-dependent group 1 enhancer GRCh37_chr6:170591232-170592431; plus strand). Cytogenetic location: 6q27.
Variant type: single nucleotide variant.
Coding change: c.2006G>C on transcript NM_005618.4 (MANE Select); coding-DNA position 2006, G replaced by C.
Protein change: p.Gly669Ala; replaces glycine 669 with alanine.
Molecular consequence: missense variant.
Genome position (GRCh38, 1-based): chr6:170,283,273, C>G on the plus strand (G>C on the coding strand, the complement: DLL1 is on the minus strand). VCF-style: chr6-170283273-C-G. GRCh37 (hg19) VCF-style: chr6-170592361-C-G.
Other names: short protein forms G669A.
Identifiers: ClinVar variation 3028944 (VCV003028944.2), dbSNP rs532671084, ClinGen allele CA366506087.